The following is an entry in ClinVar:

NM_001130144.3(LTBP3):c.2222C>T (p.Ala741Val)

Genes: LTBP3 (latent transforming growth factor beta binding protein 3; minus strand), LOC130006030 (ATAC-STARR-seq lymphoblastoid silent region 3533; plus strand). Cytogenetic location: 11q13.1.
Variant type: single nucleotide variant.
Coding change: c.2222C>T on transcript NM_001130144.3 (MANE Select); coding-DNA position 2222, C replaced by T.
Protein change: p.Ala741Val; replaces alanine 741 with valine.
Molecular consequence: missense variant.
Genome position (GRCh38, 1-based): chr11:65,546,806, G>A on the plus strand (C>T on the coding strand, the complement: LTBP3 is on the minus strand). VCF-style: chr11-65546806-G-A. GRCh37 (hg19) VCF-style: chr11-65314277-G-A.
Other names: c.1871C>T, p.Ala624Val (NM_001164266.1); c.2222C>T, p.Ala741Val (NM_021070.4); short protein forms A624V, A741V.
Identifiers: ClinVar variation 1787950 (VCV001787950.7), dbSNP rs148780991, ClinGen allele CA381269867.

ClinVar aggregate classification (germline): Uncertain significance. Review status: criteria provided, multiple submitters, no conflicts (2 of 4 stars). 2 submissions from 2 submitters: Uncertain significance (2). Last evaluated 2024-11-04.

Conditions:
Brachyolmia-amelogenesis imperfecta syndrome. Also called: Tooth agenesis, selective, 6; Dental anomalies and short stature; PLATYSPONDYLY WITH AMELOGENESIS IMPERFECTA. Identifiers: Orphanet 2899, MedGen C1832594, MONDO:0011018, OMIM 601216. Disease mechanism: loss of function.
Inborn genetic diseases. Identifiers: MedGen C0950123, MeSH D030342.

gnomAD v4.1: 5 of 1,604,382 alleles (0.00031%); highest among the groups gnomAD compares: African/African-American, 0.004%; no homozygotes.

Submissions (2):

Labcorp Genetics (formerly Invitae), Labcorp
Classification: Uncertain significance for Brachyolmia-amelogenesis imperfecta syndrome. Last evaluated: 2024-11-04. Review status: criteria provided, single submitter. Criteria: Invitae Variant Classification Sherloc (09022015). Collection method: clinical testing. Allele origin: germline.
Comment: This sequence change replaces alanine, which is neutral and non-polar, with valine, which is neutral and non-polar, at codon 741 of the LTBP3 protein (p.Ala741Val). This variant is present in population databases (no rsID available, gnomAD 0.007%). This variant has not been reported in the literature in individuals affected with LTBP3-related conditions. ClinVar contains an entry for this variant (Variation ID: 1787950). An algorithm developed to predict the effect of missense changes on protein structure and function (PolyPhen-2) suggests that this variant is likely to be tolerated. In summary, the available evidence is currently insufficient to determine the role of this variant in disease. Therefore, it has been classified as a Variant of Uncertain Significance.

Ambry Genetics
Classification: Uncertain significance for Inborn genetic diseases. Last evaluated: 2022-05-24. Review status: criteria provided, single submitter. Criteria: Ambry Variant Classification Scheme 2023. Collection method: clinical testing. Allele origin: germline.
Comment: The p.A741V variant (also known as c.2222C>T), located in coding exon 15 of the LTBP3 gene, results from a C to T substitution at nucleotide position 2222. The alanine at codon 741 is replaced by valine, an amino acid with similar properties. This amino acid position is conserved. In addition, this alteration is predicted to be tolerated by in silico analysis. Since supporting evidence is limited at this time, the clinical significance of this alteration remains unclear.